The following is an entry in ClinVar:

ClinVar aggregate classification (germline): Uncertain significance (1 of 4 stars; one submission).

Conditions:
Severe early-onset pulmonary alveolar proteinosis due to MARS deficiency. Also called: PULMONARY ALVEOLAR PROTEINOSIS, REUNION ISLAND; Interstitial lung and liver disease. Identifiers: Orphanet 440427, MedGen C4225400, MONDO:0014206, OMIM 615486.
Charcot-Marie-Tooth disease axonal type 2U. Also called: CHARCOT-MARIE-TOOTH NEUROPATHY, TYPE 2U; CHARCOT-MARIE-TOOTH DISEASE, AXONAL, AUTOSOMAL DOMINANT, TYPE 2U. Identifiers: Orphanet 397735, MedGen C4084821, MONDO:0014566, OMIM 616280.

Allele frequency attached by ClinVar (database versions not stated): gnomAD 0.00001; ExAC 0.00002; ESP Exome Variant Server 0.00008; gnomAD exomes 0.00001 and 0.00002; TOPMed 0.00003.
gnomAD v4.1: 21 of 1,613,958 alleles (0.0013%); highest among the groups gnomAD compares: Non-Finnish European, 0.00042%; no homozygotes.

Submission:

Labcorp Genetics (formerly Invitae), Labcorp
Classification: Uncertain significance for Charcot-Marie-Tooth disease axonal type 2U; Severe early-onset pulmonary alveolar proteinosis due to MARS deficiency. Last evaluated: 2025-10-06. Review status: criteria provided, single submitter. Criteria: Invitae Variant Classification Sherloc (09022015). Collection method: clinical testing. Allele origin: germline.
Comment: This sequence change replaces leucine, which is neutral and non-polar, with proline, which is neutral and non-polar, at codon 250 of the MARS protein (p.Leu250Pro). This variant is present in population databases (rs139033078, gnomAD 0.06%). This variant has not been reported in the literature in individuals affected with MARS-related conditions. ClinVar contains an entry for this variant (Variation ID: 542169). An algorithm developed to predict the effect of missense changes on protein structure and function outputs the following: PolyPhen-2: "Benign". The proline amino acid residue is found in multiple mammalian species, which suggests that this missense change does not adversely affect protein function. In summary, the available evidence is currently insufficient to determine the role of this variant in disease. Therefore, it has been classified as a Variant of Uncertain Significance.

NM_004990.4(MARS1):c.749T>C (p.Leu250Pro)

Gene: MARS1 (methionyl-tRNA synthetase 1; plus strand). Cytogenetic location: 12q13.3.
Variant type: single nucleotide variant.
Coding change: c.749T>C on transcript NM_004990.4 (MANE Select); coding-DNA position 749, T replaced by C.
Protein change: p.Leu250Pro; replaces leucine 250 with proline.
Molecular consequence: missense variant.
Genome position (GRCh38, 1-based): chr12:57,490,623, T>C. VCF-style: chr12-57490623-T-C. GRCh37 (hg19) VCF-style: chr12-57884406-T-C.
Other names: short protein forms L250P.
Identifiers: ClinVar variation 542169 (VCV000542169.10), dbSNP rs139033078, ClinGen allele CA6650271.